The following is an entry in ClinVar:

NM_004187.5(KDM5C):c.2080C>T (p.Arg694Ter)

Gene: KDM5C (lysine demethylase 5C; minus strand). Cytogenetic location: Xp11.22.
Variant type: single nucleotide variant.
Coding change: c.2080C>T on transcript NM_004187.5 (MANE Select); coding-DNA position 2080, C replaced by T.
Protein change: p.Arg694Ter; replaces arginine 694 with a stop codon.
Molecular consequence: nonsense. On other transcripts: non-coding transcript variant (3).
Genome position (GRCh38, 1-based): chrX:53,199,140, G>A on the plus strand (C>T on the coding strand, the complement: KDM5C is on the minus strand). VCF-style: chrX-53199140-G-A. GRCh37 (hg19) VCF-style: chrX-53228322-G-A.
Other names: c.1879C>T, p.Arg627Ter (NM_001146702.2); c.2077C>T, p.Arg693Ter (NM_001282622.3, NM_001353979.2, NM_001353982.2); c.2080C>T, p.Arg694Ter (NM_001353978.3, NM_001353981.2, NM_001353984.2); c.2080C>T (NM_004187.2); short protein forms R694*, R693*, R627*.
Identifiers: ClinVar variation 9775 (VCV000009775.3), dbSNP rs199422236, ClinGen allele CA120653.

ClinVar aggregate classification (germline): Pathogenic. Review status: criteria provided, single submitter (1 of 4 stars). 2 submissions from 2 submitters: Pathogenic (1). 1 of the submissions does not count toward it. Last evaluated 2024-11-12.

Conditions:
Intellectual developmental disorder, X-linked, syndromic, Claes-Jensen type. Also called: INTELLECTUAL DEVELOPMENTAL DISORDER, X-LINKED, SYNDROMIC 16; MENTAL RETARDATION, X-LINKED, SYNDROMIC 16; Syndromic X-linked intellectual disability Claes-Jensen type. Identifiers: Orphanet 85279, MedGen C1845243, MONDO:0010355, OMIM 300534.

Submissions (2):

GeneDx
Classification: Pathogenic. Last evaluated: 2024-11-12. Review status: criteria provided, single submitter. Criteria: GeneDx Variant Classification Process June 2021. Collection method: clinical testing. Allele origin: germline. Affected: yes.
Comment: Nonsense variant predicted to result in protein truncation or nonsense mediated decay in a gene for which loss of function is a known mechanism of disease; Not observed at significant frequency in large population cohorts (gnomAD); This variant is associated with the following publications: (PMID: 25525159, 33504798, 33994118, 33057194, 37010288, 35982159, 21575681, 15586325)

OMIM
Classification: Pathogenic for INTELLECTUAL DEVELOPMENTAL DISORDER, X-LINKED, SYNDROMIC, CLAES-JENSEN TYPE. Last evaluated: 2005-02-01. Review status: no assertion criteria provided. Collection method: literature only. Allele origin: germline. Not counted in ClinVar's aggregate classification.

Literature cited by the submitters: PubMed 15586325 (cited by OMIM).